The following is an entry in ClinVar:

ClinVar aggregate classification (germline): Uncertain significance. Review status: criteria provided, single submitter (1 of 4 stars). 2 submissions from 2 submitters: Uncertain significance (1). 1 of the submissions does not count toward it. Last evaluated 2024-10-09.

Conditions:
PCNT-related disorder. Also called: PCNT-related condition.
Inborn genetic diseases. Identifiers: MedGen C0950123, MeSH D030342.

gnomAD v4.1: 12 of 1,613,046 alleles (0.00074%); highest among the groups gnomAD compares: South Asian, 0.0011%; no homozygotes.

Submissions (2):

Ambry Genetics
Classification: Uncertain significance for Inborn genetic diseases. Last evaluated: 2024-10-09. Review status: criteria provided, single submitter. Criteria: Ambry Variant Classification Scheme 2023. Collection method: clinical testing. Allele origin: germline.

PreventionGenetics, part of Exact Sciences
Classification: Uncertain significance for PCNT-related condition. Last evaluated: 2024-02-22. Review status: no assertion criteria provided. Collection method: clinical testing. Allele origin: germline. Not counted in ClinVar's aggregate classification.
Comment: The PCNT c.9107T>A variant is predicted to result in the amino acid substitution p.Met3036Lys. To our knowledge, this variant has not been reported in the literature. This variant is reported in 0.0018% of alleles in individuals of European (Non-Finnish) descent in gnomAD. At this time, the clinical significance of this variant is uncertain due to the absence of conclusive functional and genetic evidence.

NM_006031.6(PCNT):c.9107T>A (p.Met3036Lys)

Gene: PCNT (pericentrin; plus strand). Cytogenetic location: 21q22.3.
Variant type: single nucleotide variant.
Coding change: c.9107T>A on transcript NM_006031.6 (MANE Select); coding-DNA position 9107, T replaced by A.
Protein change: p.Met3036Lys; replaces methionine 3036 with lysine.
Molecular consequence: missense variant.
Genome position (GRCh38, 1-based): chr21:46,438,171, T>A. VCF-style: chr21-46438171-T-A. GRCh37 (hg19) VCF-style: chr21-47858084-T-A.
Other names: c.8516T>A, p.Met2839Lys (NM_001315529.2); short protein forms M2839K, M3036K.
Identifiers: ClinVar variation 3355628 (VCV003355628.2).
Genomic context (GRCh38, chr21:46,438,171, plus strand): 5'-TGTTCATGCCCTTTAACAACAAATTCTTACAAATTTATTTTCTTTTCTCCAAGAAAAAAA[T>A]GGCAGCAGAGCTGCAGTTCCAGTTTGTGGACGTCCTGCTGAAAGACAATGTTTCCCTCAC-3'
Protein context (NP_006022.3, residues 3026-3046): LSRPTSSQKK[Met3036Lys]AAELQFQFVD